The following is an entry in ClinVar:

NM_001852.4(COL9A2):c.919G>A (p.Gly307Ser)

Gene: COL9A2 (collagen type IX alpha 2 chain; minus strand). Cytogenetic location: 1p34.2.
Variant type: single nucleotide variant.
Coding change: c.919G>A on transcript NM_001852.4 (MANE Select); coding-DNA position 919, G replaced by A.
Protein change: p.Gly307Ser; replaces glycine 307 with serine.
Molecular consequence: missense variant.
Genome position (GRCh38, 1-based): chr1:40,307,738, C>T on the plus strand (G>A on the coding strand, the complement: COL9A2 is on the minus strand). VCF-style: chr1-40307738-C-T. GRCh37 (hg19) VCF-style: chr1-40773410-C-T.
Other names: short protein forms G307S.
Identifiers: ClinVar variation 282805 (VCV000282805.22), dbSNP rs184896618, ClinGen allele CA791670.

ClinVar aggregate classification (germline): Uncertain significance. Review status: criteria provided, multiple submitters, no conflicts (2 of 4 stars). 7 submissions from 7 submitters: Uncertain significance (6). 1 of the submissions does not count toward it. Last evaluated 2026-01-24.

Conditions:
COL9A2-related disorder. Also called: COL9A2-related condition.
Stickler syndrome, type 5 (STL5). Also called: COL9A2-Related Stickler Syndrome. Identifiers: Orphanet 250984, Orphanet 828, MedGen C3280342, MONDO:0013666, OMIM 614284.
Epiphyseal dysplasia, multiple, 2 (EDM2). Also called: COL9A2-Related Multiple Epiphyseal Dysplasia. Identifiers: MedGen C1838429, MONDO:0010844, OMIM 600204.

Allele frequency attached by ClinVar (database versions not stated): gnomAD 0.00007 and 0.00008; ExAC 0.00011; 1000 Genomes Project 30x 0.00016; 1000 Genomes Project 0.00020; TOPMed 0.00021.
gnomAD v4.1: 213 of 1,614,132 alleles (0.013%); highest among the groups gnomAD compares: Admixed American, 0.05%; no homozygotes.

Submissions (7):

Labcorp Genetics (formerly Invitae), Labcorp
Classification: Uncertain significance. Last evaluated: 2026-01-24. Review status: criteria provided, single submitter. Criteria: Invitae Variant Classification Sherloc (09022015). Collection method: clinical testing. Allele origin: germline.
Comment: This sequence change replaces glycine, which is neutral and non-polar, with serine, which is neutral and polar, at codon 307 of the COL9A2 protein (p.Gly307Ser). This variant is present in population databases (rs184896618, gnomAD 0.06%). This variant has not been reported in the literature in individuals affected with COL9A2-related conditions. ClinVar contains an entry for this variant (Variation ID: 282805). Invitae Evidence Modeling of protein sequence and biophysical properties (such as structural, functional, and spatial information, amino acid conservation, physicochemical variation, residue mobility, and thermodynamic stability) indicates that this missense variant is expected to disrupt COL9A2 protein function with a positive predictive value of 95%. In summary, the available evidence is currently insufficient to determine the role of this variant in disease. Therefore, it has been classified as a Variant of Uncertain Significance.

Blueprint Genetics
Classification: Uncertain significance. Last evaluated: 2024-10-25. Review status: criteria provided, single submitter. Criteria: ACMG Guidelines, 2015. Collection method: clinical testing. Allele origin: germline.

GeneDx
Classification: Uncertain significance. Last evaluated: 2023-03-20. Review status: criteria provided, single submitter. Criteria: GeneDx Variant Classification Process June 2021. Collection method: clinical testing. Allele origin: germline. Affected: yes.
Comment: Has not been previously published as pathogenic or benign to our knowledge; In silico analysis supports that this missense variant has a deleterious effect on protein structure/function

Fulgent Genetics
Classification: Uncertain significance for Epiphyseal dysplasia, multiple, 2; Stickler syndrome, type 5. Last evaluated: 2021-09-08. Review status: criteria provided, single submitter. Criteria: ACMG Guidelines, 2015. Collection method: clinical testing. Allele origin: unknown.

Illumina Laboratory Services, Illumina
Classification: Uncertain significance for Epiphyseal dysplasia, multiple, 2. Last evaluated: 2018-01-13. Review status: criteria provided, single submitter. Criteria: ICSL Variant Classification Criteria 13 December 2019. Collection method: clinical testing. Allele origin: germline.

Eurofins Ntd Llc (ga)
Classification: Uncertain significance. Last evaluated: 2015-08-26. Review status: criteria provided, single submitter. Criteria: EGL Classification Definitions 2015. Collection method: clinical testing. Allele origin: germline. Observed: 1 variant allele, 1 heterozygote.

PreventionGenetics, part of Exact Sciences
Classification: Likely benign for COL9A2-related condition. Last evaluated: 2023-10-27. Review status: no assertion criteria provided. Collection method: clinical testing. Allele origin: germline. Not counted in ClinVar's aggregate classification.
Comment: This variant is classified as likely benign based on ACMG/AMP sequence variant interpretation guidelines (Richards et al. 2015 PMID: 25741868, with internal and published modifications).